The following is an entry in ClinVar:

NM_006231.4(POLE):c.1270C>G (p.Leu424Val)

Gene: POLE (DNA polymerase epsilon, catalytic subunit; minus strand). Cytogenetic location: 12q24.33.
Variant type: single nucleotide variant.
Coding change: c.1270C>G on transcript NM_006231.4 (MANE Select); coding-DNA position 1270, C replaced by G.
Protein change: p.Leu424Val; replaces leucine 424 with valine.
Molecular consequence: missense variant.
Genome position (GRCh38, 1-based): chr12:132,673,664, G>C on the plus strand (C>G on the coding strand, the complement: POLE is on the minus strand). VCF-style: chr12-132673664-G-C. GRCh37 (hg19) VCF-style: chr12-133250250-G-C.
Other names: short protein forms L424V.
Identifiers: ClinVar variation 40046 (VCV000040046.59), dbSNP rs483352909, ClinGen allele CA130722.

ClinVar aggregate classification (germline): Pathogenic. Review status: criteria provided, multiple submitters, no conflicts (2 of 4 stars). 10 submissions from 10 submitters: Pathogenic (9). 1 of the submissions does not count toward it. Last evaluated 2026-01-08.
ClinVar aggregate classification (oncogenicity): Likely oncogenic (1 of 4 stars; one submission).

Conditions:
Polymerase proofreading-related adenomatous polyposis. Also called: Polymerase proofreading associated polyposis; Polymerase proofreading–associated polyposis (PPAP). Identifiers: Orphanet 447877, MedGen C5202613, MONDO:0018653.
Familial colorectal cancer type X. Identifiers: Orphanet 440437, MedGen C3896578, MONDO:0018604.
Facial dysmorphism-immunodeficiency-livedo-short stature syndrome. Also called: Facial dysmorphism, immunodeficiency, livedo, and short stature; FILS syndrome. Identifiers: Orphanet 352712, MedGen C3554576, MONDO:0014058, OMIM 615139.
Colorectal cancer, susceptibility to, 12 (CRCS12). Also called: COLORECTAL CANCER, SUSCEPTIBILITY TO, ON CHROMOSOME 12q24. Identifiers: Orphanet 220460, MedGen C3554460, MONDO:0014038, OMIM 615083.
Hereditary cancer-predisposing syndrome. Also called: Neoplastic Syndromes, Hereditary; Tumor predisposition; Hereditary Cancer Syndrome; Hereditary neoplastic syndrome. Identifiers: Orphanet 140162, MedGen C0027672, MeSH D009386, MONDO:0015356.
Cystic fibrosis-gastritis-megaloblastic anemia syndrome. Also called: CYSTIC FIBROSIS WITH HELICOBACTER PYLORI GASTRITIS, MEGALOBLASTIC ANEMIA, AND IMPAIRED INTELLECTUAL DEVELOPMENT. Identifiers: Orphanet 2575, MedGen C3806255, MONDO:0009062, OMIM 219721.
Neoplasm. Also called: Neoplasms; Neoplasm (disease); tumor. Identifiers: MedGen C0027651, MeSH D009369, MONDO:0005070, HP:0002664.

gnomAD v4.1: 1 of 1,614,018 alleles (0.000062%); highest among the groups gnomAD compares: Non-Finnish European, 0.000085%; no homozygotes.

Submissions (11):

Ambry Genetics
Classification: Pathogenic for Hereditary cancer-predisposing syndrome. Last evaluated: 2026-01-08. Review status: criteria provided, single submitter. Criteria: Ambry Variant Classification Scheme 2023. Collection method: clinical testing. Allele origin: germline.
Comment: The p.L424V pathogenic mutation (also known as c.1270C>G), located in coding exon 13 of the POLE gene, results from a C to G substitution at nucleotide position 1270. The leucine at codon 424 is replaced by valine, an amino acid with highly similar properties. This highly conserved residue is in the active site of the exonuclease domain of the POLE protein, and this alteration is predicted to affect the nuclear activity by distorting the packing of helices involved in the exonuclease active site (Palles C et al. Nat. Genet. 2013 Feb; 45(2):136-44). This mutation has been reported as one of the most commonly identified POLE mutations in familial colorectal cancer and polyposis patients. It has been shown to segregate with disease in multiple unrelated families and has not been reported in over six thousand controls or in population cohorts. In addition it has been reported as a de novo occurrence in two individuals (Spier I et al. Int. J. Cancer. 2015 Jul;137(2):320-31; Palles C et al. Nat. Genet. 2013 Feb; 45(2):136-44. Valle L et al. Hum. Mol. Genet. 2014 Jul; 23(13):3506-12. Elsayed FA et al. Eur. J. Hum. Genet. 2015 Aug; 23(8):1080-4; Miyazaki H et al. Clin J Gastroenterol, 2024 Jun;17:425-428). This variant is considered to be rare based on population cohorts in the Genome Aggregation Database (gnomAD). This amino acid position is highly conserved in available vertebrate species. In addition, the in silico prediction for this alteration is inconclusive. Based on the supporting evidence, this alteration is pathogenic for POLE-related polymerase proofreading-associated polyposis (PPAP) OR POLE-related CMMRD-like syndrome; however, the association of this alteration with POLE deficiency is unknown.

Labcorp Genetics (formerly Invitae), Labcorp
Classification: Pathogenic. Last evaluated: 2025-09-08. Review status: criteria provided, single submitter. Criteria: Invitae Variant Classification Sherloc (09022015). Collection method: clinical testing. Allele origin: germline.
Comment: This sequence change replaces leucine, which is neutral and non-polar, with valine, which is neutral and non-polar, at codon 424 of the POLE protein (p.Leu424Val). This variant is not present in population databases (gnomAD no frequency). This missense change has been observed in individual(s) with colorectal adenomas and carcinomas (PMID: 23263490, 24501277, 25370038, 25529843, 27683556). In at least one individual the variant was observed to be de novo. It has also been observed to segregate with disease in related individuals. ClinVar contains an entry for this variant (Variation ID: 40046). Invitae Evidence Modeling of protein sequence and biophysical properties (such as structural, functional, and spatial information, amino acid conservation, physicochemical variation, residue mobility, and thermodynamic stability) indicates that this missense variant is expected to disrupt POLE protein function with a positive predictive value of 80%. For these reasons, this variant has been classified as Pathogenic.

Center for Genomic Medicine, Rigshospitalet, Copenhagen University Hospital
Classification: Pathogenic. Last evaluated: 2025-03-04. Review status: criteria provided, single submitter. Criteria: ACMG Guidelines, 2015. Collection method: clinical testing. Allele origin: germline.

Center for Genomic Medicine, Rigshospitalet, Copenhagen University Hospital
Classification: Likely oncogenic for Neoplasm. Last evaluated: 2025-03-04. Review status: criteria provided, single submitter. Criteria: ClinGen/CGC/VICC Guidelines for Oncogenicity, 2022. Collection method: clinical testing. Allele origin: somatic. Affected: yes.

Molecular Diagnostics Laboratory, Catalan Institute of Oncology
Classification: Pathogenic for Hereditary cancer-predisposing syndrome. Last evaluated: 2024-12-22. Review status: criteria provided, single submitter. Criteria: Submitter's publication. Collection method: clinical testing. Allele origin: germline.
Comment: PS3_Moderate, PM1_Supporting, PM2_Supporting, PM6_Supporting, PP1_Strong, PP3, PP4_Strong c.1270C>G, located in exon 13 of the POLE gene, is predicted to result in the substitution of Leu by Val at codon 424, p.(Leu424Val). This variant is located at exonuclease domain and within the DNA binding cleft, and < 6Å from the DNA (PM1_Supporting). It is not present in the population database gnomAD v2.1.1, non cancer dataset (PM2_supporting). The SpliceAI algorithm predicts no significant impact on splicing. The REVEL meta-predictor score for this variant (0.65 > 0.644) suggests a deleterious effect on protein function (PP3). Functional assays performed in yeast, mammalian and cell-free assays showed a reduced exonuclease repair function (PMIDs: 32792570, 30362666, 32938641, 29056344, 36915289) (PS3_Moderate). The variant has been identified de novo in a patient with polyposis (more than 10 adenomas) and CRC (PMID 24501277) (PM6_Supporting). In addition, this variant has been identified in 69 carriers from 16 families, showing cosegregation with POLE-associated clinical features (reviewed in PMID: 37848928; PP1_Strong). Whole Exome Sequencing in 6 tumours from TGCA/COSMIC database carrying this variant showed that at least two of them (endometrial and breast) have >5% of combined contribution of signature SBS10 (PMID: 37848928); the same characteristics were also found in a tumour from a germline carrier (PMID: 34594041) (PP4_Strong). This variant has been reported in the ClinVar database (7x pathogenic) and in the LOVD database (2x pathogenic, 6x likely pathogenic, 1x uncertain significance). Based on currently available information, the variant c.1270C>G should be considered a pathogenic variant.

Department of Pathology and Laboratory Medicine, Sinai Health System
Classification: Pathogenic for Polymerase proofreading-related adenomatous polyposis; Familial colorectal cancer type X. Last evaluated: 2023-06-23. Review status: criteria provided, single submitter. Criteria: ACMG Guidelines, 2015. Collection method: clinical testing. Allele origin: germline. Affected: yes.

CeGaT Center for Human Genetics Tuebingen
Classification: Pathogenic. Last evaluated: 2021-06-01. Review status: criteria provided, single submitter. Criteria: CeGaT Center For Human Genetics Tuebingen Variant Classification Criteria Version 2. Collection method: clinical testing. Allele origin: germline. Affected: yes. Observed: 1 variant allele.

Women's Health and Genetics/Laboratory Corporation of America, LabCorp
Classification: Pathogenic for Cystic fibrosis-gastritis-megaloblastic anemia syndrome. Last evaluated: 2021-05-10. Review status: criteria provided, single submitter. Criteria: LabCorp Variant Classification Summary - May 2015. Collection method: clinical testing. Allele origin: germline.
Comment: Variant summary: POLE c.1270C>G (p.Leu424Val) results in a conservative amino acid change located in the DNA-directed DNA polymerase, family B, exonuclease domain (IPR006133) of the encoded protein sequence. Four of five in-silico tools predict a damaging effect of the variant on protein function. The variant was absent in 251340 control chromosomes. c.1270C>G has been reported in the literature in multiple individuals affected with Colorectal Cancer or adenomas (e.g. Palles_2013, Chubb_2015, Elsayed_2015, Hamzaoui_2020), including at least one-de novo occurrence (e.g. Valle_2014), as well a co-segregation with disease in multiple families (e.g. Palles_2013). These data indicate that the variant is very likely to be associated with disease. Several publications report experimental evidence indicating that the variant results in a significantly increased mutation rate as assessed by yeast fluctuation assays (e.g. Castellsague_2018, Hamzaoui_2020). Five clinical diagnostic laboratories have submitted clinical-significance assessments for this variant to ClinVar after 2014 without evidence for independent evaluation. All laboratories cited the variant as pathogenic or risk factor. Based on the evidence outlined above, the variant was classified as pathogenic.

Fulgent Genetics
Classification: Pathogenic for Colorectal cancer, susceptibility to, 12; Facial dysmorphism-immunodeficiency-livedo-short stature syndrome. Last evaluated: 2018-10-31. Review status: criteria provided, single submitter. Criteria: ACMG Guidelines, 2015. Collection method: clinical testing. Allele origin: unknown.

GeneDx
Classification: Pathogenic. Last evaluated: 2017-02-03. Review status: criteria provided, single submitter. Criteria: GeneDx Variant Classification (06012015). Collection method: clinical testing. Allele origin: germline. Affected: yes.
Comment: This pathogenic variant is denoted POLE c.1270C>G at the cDNA level, p.Leu424Val (L424V) at the protein level, and results in the change of a Leucine to a Valine (CTC>GTC). POLE Leu424Val has been observed in multiple individuals with either an attenuated polyposis phenotype or a history of early onset colorectal cancer, with de novo occurrence reported in two individuals (Palles 2013, Elsayed 2014, Chubb 2015). Additionally, Spier et al. (2014) found this variant to segregate with polyposis and/or colorectal cancer diagnoses in three families. While functional assays have not specifically interrogated POLE Leu424Val, the equivalent residue has been found to have an important role in exonuclease activity in both bacteriophage and yeast systems (Hogg 2004, Murphy 2006). POLE Leu424Val was not observed in approximately 6,500 individuals of European and African American ancestry in the NHLBI Exome Sequencing Project, suggesting it is not a common benign variant in these populations. Since Leucine and Valine share similar properties, this is considered a conservative amino acid substitution. POLE Leu424Val occurs at a position that is conserved across species and is located in the Exo IV motif of the Exonuclease Domain (Preston 2010). In silico analyses predict that this variant is probably damaging to protein structure and function. Based on currently available evidence, we consider this variant to be pathogenic.

OMIM
Classification: risk factor for COLORECTAL CANCER, SUSCEPTIBILITY TO, 12. Last evaluated: 2015-08-01. Review status: no assertion criteria provided. Collection method: literature only. Allele origin: unknown. Not counted in ClinVar's aggregate classification.

Literature cited by the submitters: PubMed 16699561 (cited by Ambry Genetics); PubMed 23263490 (cited by 6 submitters); PubMed 24501277 (cited by 6 submitters); PubMed 25370038 (cited by 3 submitters); PubMed 25529843 (cited by 3 submitters); PubMed 38386255 (cited by Ambry Genetics); PubMed 27683556 (cited by Labcorp Genetics (formerly Invitae), Labcorp); PubMed 32424176 (cited by Center for Genomic Medicine, Rigshospitalet, Copenhagen University Hospital and Women's Health and Genetics/Laboratory Corporation of America, LabCorp); PubMed 29056344 (cited by Center for Genomic Medicine, Rigshospitalet, Copenhagen University Hospital); PubMed 25559809 (cited by Women's Health and Genetics/Laboratory Corporation of America, LabCorp); PubMed 30362666 (cited by Women's Health and Genetics/Laboratory Corporation of America, LabCorp); PubMed 30827058 (cited by Women's Health and Genetics/Laboratory Corporation of America, LabCorp).